The following is an entry in ClinVar:

ClinVar aggregate classification (germline): Uncertain significance (1 of 4 stars; one submission).

Conditions:
Catecholaminergic polymorphic ventricular tachycardia 1. Also called: RYR2-Related Catecholaminergic Polymorphic Ventricular Tachycardia; VENTRICULAR TACHYCARDIA, CATECHOLAMINERGIC POLYMORPHIC, 1, WITH OR WITHOUT ATRIAL DYSFUNCTION AND/OR DILATED CARDIOMYOPATHY; VENTRICULAR TACHYCARDIA, STRESS-INDUCED POLYMORPHIC 1. Identifiers: Orphanet 3286, MedGen C1631597, MONDO:0011484, OMIM 604772.

Submission:

Labcorp Genetics (formerly Invitae), Labcorp
Classification: Uncertain significance for Catecholaminergic polymorphic ventricular tachycardia 1. Last evaluated: 2022-06-25. Review status: criteria provided, single submitter. Criteria: Invitae Variant Classification Sherloc (09022015). Collection method: clinical testing. Allele origin: germline.
Comment: In summary, the available evidence is currently insufficient to determine the role of this variant in disease. Therefore, it has been classified as a Variant of Uncertain Significance. Algorithms developed to predict the effect of sequence changes on RNA splicing suggest that this variant may disrupt the consensus splice site. This variant has not been reported in the literature in individuals affected with RYR2-related conditions. This variant is not present in population databases (gnomAD no frequency). This sequence change affects a donor splice site in intron 57 of the RYR2 gene. It is expected to disrupt RNA splicing. Variants that disrupt the donor or acceptor splice site typically lead to a loss of protein function (PMID: 16199547), however the current clinical and genetic evidence is not sufficient to establish whether loss-of-function variants in RYR2 cause disease.

Literature cited by the submitters: PubMed 16199547.

NM_001035.3(RYR2):c.8514+1G>C

Gene: RYR2 (ryanodine receptor 2; plus strand). Cytogenetic location: 1q43.
Variant type: single nucleotide variant.
Coding change: c.8514+1G>C on transcript NM_001035.3 (MANE Select); the canonical splice donor site of the intron after coding-DNA position 8514, G replaced by C.
Molecular consequence: splice donor variant.
Genome position (GRCh38, 1-based): chr1:237,666,590, G>C. VCF-style: chr1-237666590-G-C. GRCh37 (hg19) VCF-style: chr1-237829890-G-C.
Identifiers: ClinVar variation 1921142 (VCV001921142.5), dbSNP rs1684347209, ClinGen allele CA345402255.